The following is an entry in ClinVar:

NM_002693.3(POLG):c.3482+6_3482+44del

Gene: POLG (DNA polymerase gamma, catalytic subunit; minus strand). Cytogenetic location: 15q26.1.
Variant type: Deletion.
Coding change: c.3482+6_3482+44del on transcript NM_002693.3 (MANE Select); bases 6 to 44 of the intron after coding-DNA position 3482, 39 bases deleted.
Molecular consequence: splice donor variant.
Genome position (GRCh38, 1-based): chr15:89,318,497-89,318,535, 39 bases deleted; deleting any 39 consecutive bases within chr15:89,318,497-89,318,539 gives the same sequence; the c. name uses the placement nearest the transcript's 3' end. GRCh37 (hg19): chr15:89,861,732-89,861,770.
Other names: c.3482+6_3482+44del (NM_001126131.2).
Identifiers: ClinVar variation 1447830 (VCV001447830.7), dbSNP rs771537545, ClinGen allele CA7724127.
Genomic context (GRCh38, chr15:89,318,496, plus strand): 5'-TAGGGGGATGAAAAGTCAAAACTGACCAGTCTGGCCCAAGGAACGCTCACCCAAAGCCCC[ACATAGGAGCACATGGCCAGGCTAGAGGCCATGGGCCCCG>A]CATACCTGGTCAAGAGGTTGGTGATCTGCAAGGCCAGGGCAGCGCGGTAGCGGTCCTCCT-3'

ClinVar aggregate classification (germline): Uncertain significance. Review status: criteria provided, multiple submitters, no conflicts (2 of 4 stars). 2 submissions from 2 submitters: Uncertain significance (2). Last evaluated 2026-07-01.

Conditions:
Progressive sclerosing poliodystrophy (MTDPS4A). Also called: Mitochondrial DNA Depletion Syndrome 4A; Alpers-Huttenlocher Syndrome (AHS); Mitochondrial DNA depletion syndrome 4A (Alpers type); ALPERS PROGRESSIVE INFANTILE POLIODYSTROPHY; Alpers Syndrome; ALPERS DIFFUSE DEGENERATION OF CEREBRAL GRAY MATTER WITH HEPATIC CIRRHOSIS. Identifiers: Orphanet 726, MedGen C0205710, MONDO:0008758, OMIM 203700.

Submissions (2):

CeGaT Center for Human Genetics Tuebingen
Classification: Uncertain significance. Last evaluated: 2026-07-01. Review status: criteria provided, single submitter. Criteria: CeGaT Center For Human Genetics Tuebingen Variant Classification Criteria Version 2. Collection method: clinical testing. Allele origin: germline. Affected: yes. Observed: 1 variant allele.
Comment: POLG: PM2, BP4

Labcorp Genetics (formerly Invitae), Labcorp
Classification: Uncertain significance for Progressive sclerosing poliodystrophy. Last evaluated: 2022-05-27. Review status: criteria provided, single submitter. Criteria: Invitae Variant Classification Sherloc (09022015). Collection method: clinical testing. Allele origin: germline.
Comment: This variant has not been reported in the literature in individuals affected with POLG-related conditions. This sequence change falls in intron 21 of the POLG gene. It does not directly change the encoded amino acid sequence of the POLG protein. It affects a nucleotide within the consensus splice site. This variant is present in population databases (rs771537545, gnomAD 0.003%). Variants that disrupt the consensus splice site are a relatively common cause of aberrant splicing (PMID: 17576681, 9536098). Algorithms developed to predict the effect of sequence changes on RNA splicing suggest that this variant is not likely to affect RNA splicing. In summary, the available evidence is currently insufficient to determine the role of this variant in disease. Therefore, it has been classified as a Variant of Uncertain Significance.

Literature cited by the submitters: PubMed 17576681 (cited by Labcorp Genetics (formerly Invitae), Labcorp); PubMed 9536098 (cited by Labcorp Genetics (formerly Invitae), Labcorp).